The following is an entry in ClinVar:

ClinVar aggregate classification (germline): Pathogenic (1 of 4 stars; one submission).

Submission:

CeGaT Center for Human Genetics Tuebingen
Classification: Pathogenic. Last evaluated: 2024-04-01. Review status: criteria provided, single submitter. Criteria: CeGaT Center For Human Genetics Tuebingen Variant Classification Criteria Version 2. Collection method: clinical testing. Allele origin: germline. Affected: yes. Observed: 1 variant allele.
Comment: VPS13B: PVS1, PM2

NM_152564.5(VPS13B):c.4325C>G (p.Ser1442Ter)

Gene: VPS13B (vacuolar protein sorting 13 homolog B; plus strand). Cytogenetic location: 8q22.2.
Variant type: single nucleotide variant.
Coding change: c.4325C>G on transcript NM_152564.5 (MANE Select); coding-DNA position 4325, C replaced by G.
Protein change: p.Ser1442Ter; replaces serine 1442 with a stop codon.
Molecular consequence: nonsense.
Genome position (GRCh38, 1-based): chr8:99,511,204, C>G. VCF-style: chr8-99511204-C-G. GRCh37 (hg19) VCF-style: chr8-100523432-C-G.
Other names: c.4400C>G, p.Ser1467Ter (NM_017890.5); short protein forms S1442*, S1467*.
Identifiers: ClinVar variation 3234583 (VCV003234583.20), dbSNP rs751646100, ClinGen allele CA371871382.